The following is an entry in ClinVar:

NM_006767.4(LZTR1):c.2255del (p.Tyr752fs)

Gene: LZTR1 (leucine zipper like post translational regulator 1; plus strand). Cytogenetic location: 22q11.21.
Variant type: Deletion.
Coding change: c.2255del on transcript NM_006767.4 (MANE Select); coding-DNA position 2255, one base deleted (A; older notation c.2255delA).
Protein change: p.Tyr752fs; shifts the reading frame from tyrosine 752.
Molecular consequence: frameshift variant.
Genome position (GRCh38, 1-based): chr22:20,996,731, A deleted. VCF-style (leftmost placement, unchanged base first): chr22-20996730-TA-T. GRCh37 (hg19) VCF-style: chr22-21351019-TA-T.
Other names: short protein forms Y752fs.
Identifiers: ClinVar variation 2705675 (VCV002705675.3), dbSNP rs2518625687, ClinGen allele CA2697547698.

ClinVar aggregate classification (germline): Pathogenic (1 of 4 stars; one submission).

Submission:

Labcorp Genetics (formerly Invitae), Labcorp
Classification: Pathogenic. Last evaluated: 2023-12-26. Review status: criteria provided, single submitter. Criteria: Invitae Variant Classification Sherloc (09022015). Collection method: clinical testing. Allele origin: germline.
Comment: This sequence change creates a premature translational stop signal (p.Tyr752Serfs*15) in the LZTR1 gene. It is expected to result in an absent or disrupted protein product. Loss-of-function variants in LZTR1 are known to be pathogenic (PMID: 24362817, 25335493, 25480913, 25795793, 29469822, 30368668, 30442762, 30442766, 30481304, 30859559). This variant is not present in population databases (gnomAD no frequency). This variant has not been reported in the literature in individuals affected with LZTR1-related conditions. For these reasons, this variant has been classified as Pathogenic.

Literature cited by the submitters: PubMed 24362817; PubMed 25335493; PubMed 25480913; PubMed 25795793; PubMed 29469822; PubMed 30368668; PubMed 30442762; PubMed 30442766; PubMed 30481304; PubMed 30859559.